The following is an entry in ClinVar:

NM_000094.4(COL7A1):c.6752G>C (p.Gly2251Ala)

Gene: COL7A1 (collagen type VII alpha 1 chain; minus strand). Cytogenetic location: 3p21.31.
Variant type: single nucleotide variant.
Coding change: c.6752G>C on transcript NM_000094.4 (MANE Select); coding-DNA position 6752, G replaced by C.
Protein change: p.Gly2251Ala; replaces glycine 2251 with alanine.
Molecular consequence: missense variant.
Genome position (GRCh38, 1-based): chr3:48,572,941, C>G on the plus strand (G>C on the coding strand, the complement: COL7A1 is on the minus strand). VCF-style: chr3-48572941-C-G. GRCh37 (hg19) VCF-style: chr3-48610374-C-G.
Other names: short protein forms G2251A.
Identifiers: ClinVar variation 4537274 (VCV004537274.1).

ClinVar aggregate classification (germline): Uncertain significance (1 of 4 stars; one submission).

gnomAD v4.1: 1 of 1,614,022 alleles (0.000062%); no homozygotes.

Submission:

Women's Health and Genetics/Laboratory Corporation of America, LabCorp
Classification: Uncertain significance. Last evaluated: 2025-11-20. Review status: criteria provided, single submitter. Criteria: LabCorp Variant Classification Summary - May 2015. Collection method: clinical testing. Allele origin: germline.
Comment: Variant summary: COL7A1 c.6752G>C (p.Gly2251Ala) results in a non-conservative amino acid change in the encoded protein sequence. Algorithms developed to predict the effect of missense changes on protein structure and function all suggest that this variant is likely to be disruptive. Consensus agreement among computation tools predict no significant impact on normal splicing. However, these predictions have yet to be confirmed by functional studies. The variant allele was found at a frequency of 4e-06 in 251136 control chromosomes (gnomAD). The available data on variant occurrences in the general population are insufficient to allow any conclusion about variant significance. c.6752G>C has been observed in an individual affected with Dystrophic Epidermolysis Bullosa, Recessive (Varki_2007). This report does not provide unequivocal conclusions about association of the variant with Dystrophic Epidermolysis Bullosa, Recessive. To our knowledge, no experimental evidence demonstrating an impact on protein function has been reported. The following publication has been ascertained in the context of this evaluation (PMID: 16971478). No submitters have cited clinical-significance assessments for this variant to ClinVar. Based on the evidence outlined above, the variant was classified as uncertain significance.

Literature cited by the submitters: PubMed 16971478.